The following is an entry in ClinVar:

ClinVar aggregate classification (germline): Pathogenic/Likely pathogenic. Review status: criteria provided, multiple submitters, no conflicts (2 of 4 stars). 4 submissions from 4 submitters: Pathogenic (3); Likely pathogenic (1). Last evaluated 2023-04-17.

Conditions:
Noonan syndrome (NS). Also called: Noonan's syndrome. Identifiers: Orphanet 648, MedGen C0028326, MeSH D009634, MONDO:0018997. Disease mechanism: gain of function.

Submissions (4):

GeneDx
Classification: Pathogenic. Last evaluated: 2023-04-17. Review status: criteria provided, single submitter. Criteria: GeneDx Variant Classification Process June 2021. Collection method: clinical testing. Allele origin: germline. Affected: yes.
Comment: Published functional studies demonstrate a damaging effect with enhanced ELK transactivation and activated downstream ERK phosphorylation (PMID: 20052757); In silico analysis supports that this missense variant has a deleterious effect on protein structure/function; Missense variants in this gene are often considered pathogenic (HGMD); Not observed at significant frequency in large population cohorts (gnomAD); This variant is associated with the following publications: (PMID: 30732632, 32870709, 29493581, 20052757, 24957944, 9689060, 15520807, 17603483, 17603482, 19020799)

Clinical Genetics Laboratory, Skane University Hospital Lund
Classification: Likely pathogenic. Last evaluated: 2022-07-13. Review status: criteria provided, single submitter. Criteria: ACMG Guidelines, 2015. Collection method: clinical testing. Allele origin: germline. Affected: yes.

Mayo Clinic Laboratories, Mayo Clinic
Classification: Pathogenic. Last evaluated: 2019-05-13. Review status: criteria provided, single submitter. Criteria: ClinGen RASopathy ACMG Specifications v1. Collection method: clinical testing. Allele origin: germline. Observed: 1 variant allele.
Comment: PM1, PM2, PM5, PM6_Strong, PS3_Moderate

Laboratory for Molecular Medicine, Mass General Brigham Personalized Medicine
Classification: Pathogenic for Noonan syndrome. Last evaluated: 2014-09-24. Review status: criteria provided, single submitter. Criteria: LMM Criteria. Collection method: clinical testing. Allele origin: germline. Observed: 1 variant allele.
Comment: The Asn262Lys variant has been reported in two individuals with clinical feature s of a RASopathy and was identified to occur de novo in both individuals (Kobaya shi 2010, LMM unpublished). It was absent from large population studies. Computa tional prediction tools and conservation analysis suggest that this variant may impact the protein, though this information is not predictive enough to determin e pathogenicity. In vitro functional studies provide some evidence that the Asn2 62Lys variant may impact protein function (Chan 2002, Kobayashi 2010). However, these types of assays may not accurately represent biological function. Individu als with pathogenic variants in exon 7 or 17 in RAF1 have a high incidence of hy pertrophic cardiomyopathy (80-95%, Chan 2002). In summary, this variant meets ou r criteria to be classified as pathogenic (izedmedicince/LMM).

Literature cited by the submitters: PubMed 11933072 (cited by Mayo Clinic Laboratories, Mayo Clinic and Laboratory for Molecular Medicine, Mass General Brigham Personalized Medicine); PubMed 30732632 (cited by Mayo Clinic Laboratories, Mayo Clinic); PubMed 20052757 (cited by Mayo Clinic Laboratories, Mayo Clinic and Laboratory for Molecular Medicine, Mass General Brigham Personalized Medicine).

NM_002880.4(RAF1):c.786T>A (p.Asn262Lys)

Gene: RAF1 (Raf-1 proto-oncogene, serine/threonine kinase; minus strand). Cytogenetic location: 3p25.2.
Variant type: single nucleotide variant.
Coding change: c.786T>A on transcript NM_002880.4 (MANE Select); coding-DNA position 786, T replaced by A.
Protein change: p.Asn262Lys; replaces asparagine 262 with lysine.
Molecular consequence: missense variant. On other transcripts: non-coding transcript variant (3).
Genome position (GRCh38, 1-based): chr3:12,604,184, A>T on the plus strand (T>A on the coding strand, the complement: RAF1 is on the minus strand). VCF-style: chr3-12604184-A-T. GRCh37 (hg19) VCF-style: chr3-12645683-A-T.
Other names: c.786T>A, p.Asn262Lys (NM_001354689.3, NM_001354690.3); c.543T>A, p.Asn181Lys (NM_001354691.3, NM_001354692.3, NM_001354694.3); c.687T>A, p.Asn229Lys (NM_001354693.3); c.444T>A, p.Asn148Lys (NM_001354695.3); short protein forms N262K, N148K, N229K, N181K.
Identifiers: ClinVar variation 44634 (VCV000044634.13), dbSNP rs397516829, ClinGen allele CA261628.
Genomic context (GRCh38, chr3:12,604,184, plus strand): 5'-GTGCCCTATTACCTCAATCATCCTGCTGTCCACAGGCAGGGTGGTGCTGACCATGTGGAC[A>T]TTAGGTGTGGATGTCGACCTCTGCCTCTGGGAGAGGGAACCTTCAGATGAGGGACTGGAG-3'
Protein context (NP_002871.1, residues 252-272): SQRQRSTSTP[Asn262Lys]VHMVSTTLPV